The following is an entry in ClinVar:

ClinVar aggregate classification (germline): Uncertain significance (1 of 4 stars; one submission).

Conditions:
Hereditary sensory and autonomic neuropathy type 6. Also called: Neuropathy, hereditary sensory and autonomic, type VI; HSAN VI. Identifiers: Orphanet 314381, MedGen C3539003, MONDO:0013839, OMIM 614653.
Epidermolysis bullosa simplex 3, localized or generalized intermediate, with BP230 deficiency (EBS3). Also called: Epidermolysis bullosa simplex due to BP230 deficiency; Epidermolysis bullosa simplex, autosomal recessive 2. Identifiers: Orphanet 412181, MedGen C3809470, MONDO:0014180, OMIM 615425.

Allele frequency attached by ClinVar (database versions not stated): gnomAD exomes 0.00001.
gnomAD v4.1: 10 of 1,613,386 alleles (0.00062%); highest among the groups gnomAD compares: Admixed American, 0.0033%; no homozygotes.

Submission:

Labcorp Genetics (formerly Invitae), Labcorp
Classification: Uncertain significance for Epidermolysis bullosa simplex 3, localized or generalized intermediate, with BP230 deficiency; Hereditary sensory and autonomic neuropathy type 6. Last evaluated: 2021-12-30. Review status: criteria provided, single submitter. Criteria: Invitae Variant Classification Sherloc (09022015). Collection method: clinical testing. Allele origin: germline.
Comment: The DST gene has multiple clinically relevant transcripts. This variant occurs in alternate transcript NM_015548.4, and corresponds to NM_001723.5:c.*61895C>T in the primary transcript. This sequence change replaces alanine, which is neutral and non-polar, with valine, which is neutral and non-polar, at codon 2434 of the DST protein (p.Ala2434Val). In summary, the available evidence is currently insufficient to determine the role of this variant in disease. Therefore, it has been classified as a Variant of Uncertain Significance. Algorithms developed to predict the effect of sequence changes on RNA splicing suggest that this variant may create or strengthen a splice site. Experimental studies and prediction algorithms are not available or were not evaluated, and the functional significance of this variant is currently unknown. This variant has not been reported in the literature in individuals affected with DST-related conditions. This variant is present in population databases (no rsID available, gnomAD 0.006%).

NM_001374736.1(DST):c.15170C>T (p.Ala5057Val)

Gene: DST (dystonin; minus strand). Cytogenetic location: 6p12.1.
Variant type: single nucleotide variant.
Coding change: c.15170C>T on transcript NM_001374736.1 (MANE Select); coding-DNA position 15170, C replaced by T.
Protein change: p.Ala5057Val; replaces alanine 5057 with valine.
Molecular consequence: missense variant.
Genome position (GRCh38, 1-based): chr6:56,553,622, G>A on the plus strand (C>T on the coding strand, the complement: DST is on the minus strand). VCF-style: chr6-56553622-G-A. GRCh37 (hg19) VCF-style: chr6-56418420-G-A.
Other names: c.8813C>T, p.Ala2938Val (NM_001144769.5); c.8399C>T, p.Ala2800Val (NM_001144770.2); c.15170C>T, p.Ala5057Val (NM_001374722.1); c.14537C>T, p.Ala4846Val (NM_001374729.1); c.8279C>T, p.Ala2760Val (NM_001374730.1, NM_001386100.1, NM_183380.4); c.15197C>T, p.Ala5066Val (NM_001374734.1); c.7301C>T, p.Ala2434Val (NM_015548.5); short protein forms A2800V, A5066V, A2938V, A5057V, A2434V, A2760V, A4846V.
Identifiers: ClinVar variation 1465434 (VCV001465434.8), dbSNP rs1364852581, ClinGen allele CA364518025.